The following is an entry in ClinVar:

NM_005422.4(TECTA):c.4690-4A>G

Genes: TBCEL-TECTA (TBCEL-TECTA readthrough; plus strand), TECTA (tectorin alpha; plus strand). Cytogenetic location: 11q23.3.
Variant type: single nucleotide variant.
Coding change: c.4690-4A>G on transcript NM_005422.4 (MANE Select); 4 bases into the intron before coding-DNA position 4690, A replaced by G.
Molecular consequence: intron variant.
Genome position (GRCh38, 1-based): chr11:121,160,131, A>G. VCF-style: chr11-121160131-A-G. GRCh37 (hg19) VCF-style: chr11-121030840-A-G.
Other names: c.5647-4A>G (NM_001378761.1).
Identifiers: ClinVar variation 2419317 (VCV002419317.10), dbSNP rs371138718, ClinGen allele CA6327548.

ClinVar aggregate classification (germline): Conflicting classifications of pathogenicity. Review status: criteria provided, conflicting classifications (1 of 4 stars). 3 submissions from 3 submitters: Likely pathogenic (1); Uncertain significance (1). 1 of the submissions does not count toward it. Last evaluated 2025-12-23.

Conditions:
TECTA-related disorder. Also called: TECTA-related condition.

Allele frequency attached by ClinVar (database versions not stated): gnomAD exomes below 0.00001; ESP Exome Variant Server 0.00008; ExAC 0.00001.
gnomAD v4.1: 6 of 1,614,138 alleles (0.00037%); highest among the groups gnomAD compares: Non-Finnish European, 0.00034%; no homozygotes.

Submissions (3):

GeneDx
Classification: Likely pathogenic. Last evaluated: 2025-12-23. Review status: criteria provided, single submitter. Criteria: GeneDx Variant Classification Process June 2021. Collection method: clinical testing. Allele origin: germline.
Comment: Not observed at significant frequency in large population cohorts (gnomAD); In silico analysis supports a deleterious effect on splicing; Has not been previously published as pathogenic or benign to our knowledge

Labcorp Genetics (formerly Invitae), Labcorp
Classification: Uncertain significance. Last evaluated: 2022-03-24. Review status: criteria provided, single submitter. Criteria: Invitae Variant Classification Sherloc (09022015). Collection method: clinical testing. Allele origin: germline.
Comment: This sequence change falls in intron 13 of the TECTA gene. It does not directly change the encoded amino acid sequence of the TECTA protein. This variant is not present in population databases (gnomAD no frequency). This variant has not been reported in the literature in individuals affected with TECTA-related conditions. Algorithms developed to predict the effect of sequence changes on RNA splicing suggest that this variant may create or strengthen a splice site. In summary, the available evidence is currently insufficient to determine the role of this variant in disease. Therefore, it has been classified as a Variant of Uncertain Significance.

PreventionGenetics, part of Exact Sciences
Classification: Uncertain significance for TECTA-related condition. Last evaluated: 2024-01-17. Review status: no assertion criteria provided. Collection method: clinical testing. Allele origin: germline. Not counted in ClinVar's aggregate classification.
Comment: The TECTA c.4690-4A>G variant is predicted to interfere with splicing. This variant is predicted to create a cryptic splice acceptor site (SpliceAI, Jaganathan et al. 2019. PubMed ID: 30661751). To our knowledge, this variant has not been reported in the literature or in a large population database, indicating this variant is rare. At this time, the clinical significance of this variant is uncertain due to the absence of conclusive functional and genetic evidence.